The following is an entry in ClinVar:

Conditions:
Breast-ovarian cancer, familial, susceptibility to, 1 (BROVCA1). Also called: BRCA1 Hereditary Breast and Ovarian Cancer; OVARIAN CANCER, SUSCEPTIBILITY TO. Identifiers: Orphanet 145, MedGen C2676676, MONDO:0011450, OMIM 604370. Disease mechanism: loss of function.

Submission:

Brotman Baty Institute, University of Washington
No classification provided (evidence only). Condition: Breast-ovarian cancer, familial 1. Review status: no classification provided. Collection method: in vitro. Allele origin: not applicable. Functional consequence: functionally_normal.
ClinVar note: "not provided" was previously submitted as the classification for the variant. However, the classification appeared to be based only on an observation of functional data so it was converted to no classification on 2025-07-30.

NM_007294.4(BRCA1):c.213-4T>G

Gene: BRCA1 (BRCA1 DNA repair associated; minus strand). Cytogenetic location: 17q21.31.
Variant type: single nucleotide variant.
Coding change: c.213-4T>G on transcript NM_007294.4 (MANE Select); 4 bases into the intron before coding-DNA position 213, T replaced by G.
Molecular consequence: intron variant.
Genome position (GRCh38, 1-based): chr17:43,104,960, A>C on the plus strand (T>G on the coding strand, the complement: BRCA1 is on the minus strand). VCF-style: chr17-43104960-A-C. GRCh37 (hg19) VCF-style: chr17-41256977-A-C.
Other names: c.72-4T>G (NM_001408458.1, NM_001407931.1, NM_001407747.1 and 99 more transcripts); c.-218-10100T>G (NM_001407967.1, NM_001407966.1); c.-169-4T>G (NM_001407959.1, NM_001407962.1, NM_001408512.1 and 4 more transcripts); c.3-4T>G (NM_001407885.1, NM_001407886.1, NM_001407898.1 and 58 more transcripts); c.213-4T>G (NM_001407686.1, NM_001408397.1, NM_001407632.1 and 167 more transcripts); c.81-4T>G (NM_001408451.1); c.135-4T>G (NM_001408475.1, NM_001407875.1, NM_001407659.1 and 21 more transcripts).
Identifiers: ClinVar variation 865563 (VCV000865563.3), dbSNP rs2054699770, ClinGen allele CA916080846.